The following is an entry in ClinVar:

NM_000051.4(ATM):c.1008T>G (p.Phe336Leu)

Gene: ATM (ATM serine/threonine kinase; plus strand). Cytogenetic location: 11q22.3.
Variant type: single nucleotide variant.
Coding change: c.1008T>G on transcript NM_000051.4 (MANE Select); coding-DNA position 1008, T replaced by G.
Protein change: p.Phe336Leu; replaces phenylalanine 336 with leucine.
Molecular consequence: missense variant.
Genome position (GRCh38, 1-based): chr11:108,247,070, T>G. VCF-style: chr11-108247070-T-G. GRCh37 (hg19) VCF-style: chr11-108117797-T-G.
Other names: c.1008T>G, p.Phe336Leu (NM_001351834.2); short protein forms F336L.
Identifiers: ClinVar variation 485229 (VCV000485229.12), dbSNP rs1555068492, ClinGen allele CA382531408.

ClinVar aggregate classification (germline): Uncertain significance. Review status: criteria provided, multiple submitters, no conflicts (2 of 4 stars). 3 submissions from 3 submitters: Uncertain significance (3). Last evaluated 2024-03-06.

Conditions:
Hereditary cancer-predisposing syndrome. Also called: Hereditary neoplastic syndrome; Neoplastic Syndromes, Hereditary; Tumor predisposition; Hereditary Cancer Syndrome. Identifiers: Orphanet 140162, MedGen C0027672, MeSH D009386, MONDO:0015356.
Ataxia-telangiectasia syndrome (AT). Also called: LOUIS-BAR SYNDROME; Cerebello-oculocutaneous telangiectasia; Immunodeficiency with ataxia telangiectasia; AT, COMPLEMENTATION GROUP C; Ataxia-telangiectasia, complementation group D; ATAXIA-TELANGIECTASIA, COMPLEMENTATION GROUP A. Identifiers: Orphanet 100, MedGen C0004135, MONDO:0008840, OMIM 208900.

Submissions (3):

Color Diagnostics, LLC DBA Color Health
Classification: Uncertain significance for Hereditary cancer-predisposing syndrome. Last evaluated: 2024-03-06. Review status: criteria provided, single submitter. Criteria: ACMG Guidelines, 2015. Collection method: clinical testing. Allele origin: germline.
Comment: This missense variant replaces phenylalanine with leucine at codon 336 of the ATM protein. Computational prediction tool suggests that this variant may not impact protein structure and function (internally defined REVEL score threshold <=0.5, PMID: 27666373). Splice site prediction tools suggest that this variant may not impact RNA splicing. To our knowledge, functional studies have not been performed for this variant. This variant has not been reported in individuals affected with hereditary cancer in the literature. This variant has not been identified in the general population by the Genome Aggregation Database (gnomAD). The available evidence is insufficient to determine the role of this variant in disease conclusively. Therefore, this variant is classified as a Variant of Uncertain Significance.

Labcorp Genetics (formerly Invitae), Labcorp
Classification: Uncertain significance for Ataxia-telangiectasia syndrome. Last evaluated: 2022-11-04. Review status: criteria provided, single submitter. Criteria: Invitae Variant Classification Sherloc (09022015). Collection method: clinical testing. Allele origin: germline.
Comment: In summary, the available evidence is currently insufficient to determine the role of this variant in disease. Therefore, it has been classified as a Variant of Uncertain Significance. Algorithms developed to predict the effect of missense changes on protein structure and function (SIFT, PolyPhen-2, Align-GVGD) all suggest that this variant is likely to be tolerated. ClinVar contains an entry for this variant (Variation ID: 485229). This variant has not been reported in the literature in individuals affected with ATM-related conditions. This variant is not present in population databases (gnomAD no frequency). This sequence change replaces phenylalanine, which is neutral and non-polar, with leucine, which is neutral and non-polar, at codon 336 of the ATM protein (p.Phe336Leu).

Ambry Genetics
Classification: Uncertain significance for Hereditary cancer-predisposing syndrome. Last evaluated: 2022-08-17. Review status: criteria provided, single submitter. Criteria: Ambry Variant Classification Scheme 2023. Collection method: clinical testing. Allele origin: germline.
Comment: The p.F336L variant (also known as c.1008T>G), located in coding exon 7 of the ATM gene, results from a T to G substitution at nucleotide position 1008. The phenylalanine at codon 336 is replaced by leucine, an amino acid with highly similar properties. This amino acid position is poorly conserved in available vertebrate species. In addition, this alteration is predicted to be tolerated by in silico analysis. Since supporting evidence is limited at this time, the clinical significance of this alteration remains unclear.